The following is an entry in ClinVar:

NM_006420.3(ARFGEF2):c.5228T>C (p.Met1743Thr)

Gene: ARFGEF2 (ARF guanine nucleotide exchange factor 2; plus strand). Cytogenetic location: 20q13.13.
Variant type: single nucleotide variant.
Coding change: c.5228T>C on transcript NM_006420.3 (MANE Select); coding-DNA position 5228, T replaced by C.
Protein change: p.Met1743Thr; replaces methionine 1743 with threonine.
Molecular consequence: missense variant.
Genome position (GRCh38, 1-based): chr20:49,033,069, T>C. VCF-style: chr20-49033069-T-C. GRCh37 (hg19) VCF-style: chr20-47649606-T-C.
Other names: p.Met1743Thr; short protein forms M1743T.
Identifiers: ClinVar variation 423506 (VCV000423506.11), dbSNP rs367994107, ClinGen allele CA9899434.

ClinVar aggregate classification (germline): Uncertain significance. Review status: criteria provided, multiple submitters, no conflicts (2 of 4 stars). 5 submissions from 5 submitters: Uncertain significance (5). Last evaluated 2024-09-04.

Conditions:
Inborn genetic diseases. Identifiers: MedGen C0950123, MeSH D030342.

Allele frequency attached by ClinVar (database versions not stated): gnomAD exomes 0.00004 and 0.00011; ExAC 0.00014; 1000 Genomes Project 30x 0.00031; ESP Exome Variant Server 0.00031; TOPMed 0.00034; gnomAD 0.00039 and 0.00043; 1000 Genomes Project 0.00040.

Submissions (5):

GeneDx
Classification: Uncertain significance. Last evaluated: 2024-09-04. Review status: criteria provided, single submitter. Criteria: GeneDx Variant Classification Process June 2021. Collection method: clinical testing. Allele origin: germline. Affected: yes.
Comment: In silico analysis supports that this missense variant has a deleterious effect on protein structure/function; Has not been previously published as pathogenic or benign to our knowledge

Ambry Genetics
Classification: Uncertain significance for Inborn genetic diseases. Last evaluated: 2024-07-14. Review status: criteria provided, single submitter. Criteria: Ambry Variant Classification Scheme 2023. Collection method: clinical testing. Allele origin: germline.

Mayo Clinic Laboratories, Mayo Clinic
Classification: Uncertain significance. Last evaluated: 2023-04-04. Review status: criteria provided, single submitter. Criteria: ACMG Guidelines, 2015. Collection method: clinical testing. Allele origin: germline. Observed: 1 variant allele.

Labcorp Genetics (formerly Invitae), Labcorp
Classification: Uncertain significance. Last evaluated: 2022-06-18. Review status: criteria provided, single submitter. Criteria: Invitae Variant Classification Sherloc (09022015). Collection method: clinical testing. Allele origin: germline.
Comment: This sequence change replaces methionine, which is neutral and non-polar, with threonine, which is neutral and polar, at codon 1743 of the ARFGEF2 protein (p.Met1743Thr). This variant is present in population databases (rs367994107, gnomAD 0.1%). This variant has not been reported in the literature in individuals affected with ARFGEF2-related conditions. ClinVar contains an entry for this variant (Variation ID: 423506). Algorithms developed to predict the effect of missense changes on protein structure and function are either unavailable or do not agree on the potential impact of this missense change (SIFT: "Deleterious"; PolyPhen-2: "Benign"; Align-GVGD: "Class C25"). In summary, the available evidence is currently insufficient to determine the role of this variant in disease. Therefore, it has been classified as a Variant of Uncertain Significance.

Genetic Services Laboratory, University of Chicago
Classification: Uncertain significance. Last evaluated: 2016-05-09. Review status: criteria provided, single submitter. Criteria: ACMG Guidelines, 2015. Collection method: clinical testing. Allele origin: germline. Affected: no.